The following is an entry in ClinVar:

ClinVar aggregate classification (germline): Uncertain significance (1 of 4 stars; one submission).

Conditions:
ALMS1-related disorder. Also called: ALMS1-related condition.

Submission:

PreventionGenetics, part of Exact Sciences
Classification: Uncertain significance for ALMS1-related condition. Last evaluated: 2024-11-01. Review status: criteria provided, single submitter. Criteria: ACMG Guidelines, 2015. Collection method: clinical testing. Allele origin: germline.
Comment: The ALMS1 c.2009A>T variant is predicted to result in the amino acid substitution p.His670Leu. To our knowledge, this variant has not been reported in the literature or in a large population database (gnomAD), indicating this variant is rare. At this time, the clinical significance of this variant is uncertain due to the absence of conclusive functional and genetic evidence.

NM_001378454.1(ALMS1):c.2006A>T (p.His669Leu)

Gene: ALMS1 (ALMS1 centrosome and basal body associated protein; plus strand). Cytogenetic location: 2p13.1.
Variant type: single nucleotide variant.
Coding change: c.2006A>T on transcript NM_001378454.1 (MANE Select); coding-DNA position 2006, A replaced by T.
Protein change: p.His669Leu; replaces histidine 669 with leucine.
Molecular consequence: missense variant.
Genome position (GRCh38, 1-based): chr2:73,448,533, A>T. VCF-style: chr2-73448533-A-T. GRCh37 (hg19) VCF-style: chr2-73675660-A-T.
Other names: c.2009A>T, p.His670Leu (NM_015120.4); short protein forms H669L, H670L.
Identifiers: ClinVar variation 4996992 (VCV004996992.1).